The following is an entry in ClinVar:

ClinVar aggregate classification (germline): Benign/Likely benign. Review status: criteria provided, multiple submitters, no conflicts (2 of 4 stars). 4 submissions from 4 submitters: Benign (2); Likely benign (2). Last evaluated 2026-02-03.

Conditions:
Familial adenomatous polyposis 1 (FAP1). Also called: POLYPOSIS, ADENOMATOUS INTESTINAL; FAMILIAL ADENOMATOUS POLYPOSIS 1, ATTENUATED. Identifiers: MedGen C2713442, MONDO:0021056, OMIM 175100. Disease mechanism: loss of function.
Hereditary cancer-predisposing syndrome. Also called: Hereditary Cancer Syndrome; Neoplastic Syndromes, Hereditary; Tumor predisposition; Hereditary neoplastic syndrome. Identifiers: Orphanet 140162, MedGen C0027672, MeSH D009386, MONDO:0015356.

Submissions (4):

Labcorp Genetics (formerly Invitae), Labcorp
Classification: Benign for Familial adenomatous polyposis 1. Last evaluated: 2026-02-03. Review status: criteria provided, single submitter. Criteria: Invitae Variant Classification Sherloc (09022015). Collection method: clinical testing. Allele origin: germline.

PreventionGenetics, part of Exact Sciences
Classification: Likely benign. Last evaluated: 2017-04-17. Review status: criteria provided, single submitter. Criteria: ACMG Guidelines, 2015. Collection method: clinical testing. Allele origin: germline.

Color Diagnostics, LLC DBA Color Health
Classification: Likely benign for Hereditary cancer-predisposing syndrome. Last evaluated: 2017-03-28. Review status: criteria provided, single submitter. Criteria: ACMG Guidelines, 2015. Collection method: clinical testing. Allele origin: germline.

GeneDx
Classification: Benign. Last evaluated: 2015-05-12. Review status: criteria provided, single submitter. Criteria: GeneDx Variant Classification Process June 2021. Collection method: clinical testing. Allele origin: germline. Affected: yes.
Comment: This variant is associated with the following publications: (PMID: 23159591)

NM_000038.6(APC):c.934-17del

Gene: APC (APC regulator of Wnt signaling pathway; plus strand). Cytogenetic location: 5q22.2.
Variant type: Deletion.
Coding change: c.934-17del on transcript NM_000038.6 (MANE Select); 17 bases into the intron before coding-DNA position 934, one base deleted (A; older notation c.934-17delA).
Molecular consequence: intron variant.
Genome position (GRCh38, 1-based): chr5:112,818,949, A deleted; the last of 3 consecutive A bases (chr5:112,818,947-112,818,949); deleting any one gives the same sequence. VCF-style (leftmost placement, unchanged base first): chr5-112818946-TA-T. GRCh37 (hg19) VCF-style: chr5-112154643-TA-T.
Other names: c.934-17del (NM_001354895.2, NM_001127510.3, NM_001354896.2); c.964-17del (NM_001354897.2); c.964-320del (NM_001354902.2); c.880-17del (NM_001127511.3); c.859-17del (NM_001354898.2); c.859-320del (NM_001354904.2); c.85-17del (NM_001354906.2); c.934-320del (NM_001354903.2); and 3 more.
Identifiers: ClinVar variation 490378 (VCV000490378.12), dbSNP rs762333924, ClinGen allele CA051274.